The following is an entry in ClinVar:

ClinVar aggregate classification (germline): Uncertain significance (1 of 4 stars; one submission).

Conditions:
Juvenile polyposis syndrome (JPS). Identifiers: Orphanet 2929, MedGen C0345893, MONDO:0017380, OMIM 174900.

Submission:

Labcorp Genetics (formerly Invitae), Labcorp
Classification: Uncertain significance for Juvenile polyposis syndrome. Last evaluated: 2021-04-27. Review status: criteria provided, single submitter. Criteria: Invitae Variant Classification Sherloc (09022015). Collection method: clinical testing. Allele origin: germline.
Comment: This sequence change replaces leucine with serine at codon 10 of the BMPR1A protein (p.Leu10Ser). The leucine residue is highly conserved and there is a large physicochemical difference between leucine and serine. This variant is not present in population databases (ExAC no frequency). This variant has not been reported in the literature in individuals with BMPR1A-related conditions. Advanced modeling of protein sequence and biophysical properties (such as structural, functional, and spatial information, amino acid conservation, physicochemical variation, residue mobility, and thermodynamic stability) performed at Invitae indicates that this missense variant is not expected to disrupt BMPR1A protein function. In summary, the available evidence is currently insufficient to determine the role of this variant in disease. Therefore, it has been classified as a Variant of Uncertain Significance.

NM_004329.3(BMPR1A):c.29T>C (p.Leu10Ser)

Gene: BMPR1A (bone morphogenetic protein receptor type 1A; plus strand). Cytogenetic location: 10q23.2.
Variant type: single nucleotide variant.
Coding change: c.29T>C on transcript NM_004329.3 (MANE Select); coding-DNA position 29, T replaced by C.
Protein change: p.Leu10Ser; replaces leucine 10 with serine.
Molecular consequence: missense variant.
Genome position (GRCh38, 1-based): chr10:86,876,047, T>C. VCF-style: chr10-86876047-T-C. GRCh37 (hg19) VCF-style: chr10-88635804-T-C.
Other names: short protein forms L10S.
Identifiers: ClinVar variation 1486675 (VCV001486675.6), dbSNP rs2133321352, ClinGen allele CA377774798.